The following is an entry in ClinVar:

NM_144573.4(NEXN):c.1113G>A (p.Pro371=)

Gene: NEXN (nexilin F-actin binding protein; plus strand). Cytogenetic location: 1p31.1.
Variant type: single nucleotide variant.
Coding change: c.1113G>A on transcript NM_144573.4 (MANE Select); coding-DNA position 1113, G replaced by A.
Protein change: p.Pro371=; no amino-acid change (proline 371 retained).
Molecular consequence: synonymous variant.
Genome position (GRCh38, 1-based): chr1:77,933,341, G>A. VCF-style: chr1-77933341-G-A. GRCh37 (hg19) VCF-style: chr1-78399026-G-A.
Other names: c.921G>A, p.Pro307= (NM_001172309.2).
Identifiers: ClinVar variation 1795714 (VCV001795714.7), dbSNP rs775241177, ClinGen allele CA918806.
Genomic context (GRCh38, chr1:77,933,341, plus strand): 5'-GGTAGTAGATGATGACTCCCCAGAGATGTATAAGACAATCTCTCAAGAATTTCTTACACC[G>A]GGAAAACTGGAAATTAATTTTGAAGAATTATTAAAACAAAAAATGGAAGAAGAAAAACGA-3'
Protein context (NP_653174.3, residues 361-381): YKTISQEFLT[Pro371=]GKLEINFEEL

ClinVar aggregate classification (germline): Conflicting classifications of pathogenicity. Review status: criteria provided, conflicting classifications (1 of 4 stars). 4 submissions from 4 submitters: Uncertain significance (1); Likely benign (3). Last evaluated 2025-04-09.

Conditions:
Cardiovascular phenotype. Identifiers: MedGen CN230736.
Hypertrophic cardiomyopathy 20. Identifiers: MedGen C3151267, MONDO:0013477, OMIM 613876.
Dilated cardiomyopathy 1CC (CMD1CC). Identifiers: Orphanet 154, MedGen C2751084, MONDO:0013147, OMIM 613122.

Allele frequency attached by ClinVar (database versions not stated): gnomAD exomes below 0.00001; TOPMed below 0.00001.
gnomAD v4.1: 6 of 1,610,272 alleles (0.00037%); highest among the groups gnomAD compares: South Asian, 0.0011%; no homozygotes.

Submissions (4):

Molecular Diagnostic Laboratory for Inherited Cardiovascular Disease, Montreal Heart Institute
Classification: Likely benign. Last evaluated: 2025-04-09. Review status: criteria provided, single submitter. Criteria: ACMG Guidelines, 2015. Collection method: clinical testing. Allele origin: germline. Affected: no.

Blueprint Genetics
Classification: Likely benign. Last evaluated: 2023-04-17. Review status: criteria provided, single submitter. Criteria: ACMG Guidelines, 2015. Collection method: clinical testing. Allele origin: germline.

Labcorp Genetics (formerly Invitae), Labcorp
Classification: Uncertain significance for Dilated cardiomyopathy 1CC; Hypertrophic cardiomyopathy 20. Last evaluated: 2022-07-21. Review status: criteria provided, single submitter. Criteria: Invitae Variant Classification Sherloc (09022015). Collection method: clinical testing. Allele origin: germline.
Comment: This sequence change affects codon 371 of the NEXN mRNA. It is a 'silent' change, meaning that it does not change the encoded amino acid sequence of the NEXN protein. The frequency data for this variant in the population databases is considered unreliable, as metrics indicate poor data quality at this position in the gnomAD database. In summary, the available evidence is currently insufficient to determine the role of this variant in disease. Therefore, it has been classified as a Variant of Uncertain Significance. Algorithms developed to predict the effect of sequence changes on RNA splicing suggest that this variant may create or strengthen a splice site. This variant has not been reported in the literature in individuals affected with NEXN-related conditions.

Ambry Genetics
Classification: Likely benign for Cardiovascular phenotype. Last evaluated: 2019-05-21. Review status: criteria provided, single submitter. Criteria: Ambry Variant Classification Scheme 2023. Collection method: clinical testing. Allele origin: germline.